The following is an entry in ClinVar:

ClinVar aggregate classification (germline): Likely benign. Review status: criteria provided, multiple submitters, no conflicts (2 of 4 stars). 4 submissions from 4 submitters: Likely benign (4). Last evaluated 2026-01-25.

Conditions:
Cardiovascular phenotype. Identifiers: MedGen CN230736.
TTN-related disorder. Also called: TTN-related disorders; TTN-related condition; TTN-related disease.
Dilated cardiomyopathy 1G (CMD1G). Identifiers: Orphanet 154, MedGen C1858763, MONDO:0011400, OMIM 604145.
Autosomal recessive limb-girdle muscular dystrophy type 2J (LGMDR10). Also called: Limb-girdle muscular dystrophy, type 2J; MUSCULAR DYSTROPHY, LIMB-GIRDLE, AUTOSOMAL RECESSIVE 10. Identifiers: Orphanet 140922, MedGen C1837342, MONDO:0012127, OMIM 608807.

Allele frequency attached by ClinVar (database versions not stated): ExAC 0.00002; gnomAD exomes 0.00002 and 0.00010; gnomAD 0.00003; TOPMed 0.00004.
gnomAD v4.1: 140 of 1,597,374 alleles (0.0088%); highest among the groups gnomAD compares: Non-Finnish European, 0.012%; no homozygotes.

Submissions (4):

Labcorp Genetics (formerly Invitae), Labcorp
Classification: Likely benign for Dilated cardiomyopathy 1G; Autosomal recessive limb-girdle muscular dystrophy type 2J. Last evaluated: 2026-01-25. Review status: criteria provided, single submitter. Criteria: Invitae Variant Classification Sherloc (09022015). Collection method: clinical testing. Allele origin: germline.

PreventionGenetics, part of Exact Sciences
Classification: Likely benign for TTN-related condition. Last evaluated: 2025-06-11. Review status: criteria provided, single submitter. Criteria: ACMG Guidelines, 2015. Collection method: clinical testing. Allele origin: germline.
Comment: This variant is classified as likely benign based on ACMG/AMP sequence variant interpretation guidelines (Richards et al. 2015 PMID: 25741868, with internal and published modifications).

Ambry Genetics
Classification: Likely benign for Cardiovascular phenotype. Last evaluated: 2020-07-20. Review status: criteria provided, single submitter. Criteria: Ambry Variant Classification Scheme 2023. Collection method: clinical testing. Allele origin: germline.

GeneDx
Classification: Likely benign. Last evaluated: 2018-08-17. Review status: criteria provided, single submitter. Criteria: GeneDx Variant Classification Process June 2021. Collection method: clinical testing. Allele origin: germline. Affected: yes.

NM_001267550.2(TTN):c.78780T>C (p.Asp26260=)

Genes: TTN (titin; minus strand), TTN-AS1 (TTN antisense RNA 1; plus strand). Cytogenetic location: 2q31.2.
Variant type: single nucleotide variant.
Coding change: c.78780T>C on transcript NM_001267550.2 (MANE Select); coding-DNA position 78780, T replaced by C.
Protein change: p.Asp26260=; no amino-acid change (aspartic acid 26260 retained).
Molecular consequence: synonymous variant.
Genome position (GRCh38, 1-based): chr2:178,567,352, A>G on the plus strand (T>C on the coding strand, the complement: TTN is on the minus strand). VCF-style: chr2-178567352-A-G. GRCh37 (hg19) VCF-style: chr2-179432079-A-G.
Other names: c.73857T>C, p.Asp24619= (NM_001256850.1); c.51585T>C, p.Asp17195= (NM_003319.4); c.71076T>C, p.Asp23692= (NM_133378.4); c.51960T>C, p.Asp17320= (NM_133432.3); c.52161T>C, p.Asp17387= (NM_133437.4).
Identifiers: ClinVar variation 1156834 (VCV001156834.15), dbSNP rs752578224, ClinGen allele CA1989564.